The following is an entry in ClinVar:

ClinVar aggregate classification (germline): Conflicting classifications of pathogenicity. Review status: criteria provided, conflicting classifications (1 of 4 stars). 4 submissions from 4 submitters: Uncertain significance (3); Likely benign (1). Last evaluated 2025-05-08.

Conditions:
Hereditary cancer-predisposing syndrome. Also called: Tumor predisposition; Hereditary Cancer Syndrome; Neoplastic Syndromes, Hereditary; Hereditary neoplastic syndrome. Identifiers: Orphanet 140162, MedGen C0027672, MeSH D009386, MONDO:0015356.
Breast-ovarian cancer, familial, susceptibility to, 2 (BROVCA2). Also called: BRCA2 Hereditary Breast and Ovarian Cancer. Identifiers: Orphanet 145, MedGen C2675520, MONDO:0012933, OMIM 612555. Disease mechanism: loss of function.
Hereditary breast ovarian cancer syndrome. Also called: BRCA1- and BRCA2-Associated Hereditary Breast and Ovarian Cancer; Hereditary breast and ovarian cancer; Hereditary breast and ovarian cancer syndrome (HBOC); Hereditary breast and ovarian cancer syndrome; Breast and ovarian cancer; Hereditary breast and/or ovarian cancer syndrome. Identifiers: Orphanet 145, MedGen C0677776, MeSH D061325, MONDO:0003582. Disease mechanism: loss of function.
Breast and/or ovarian cancer. Identifiers: MedGen CN221562.

Allele frequency attached by ClinVar (database versions not stated): TOPMed below 0.00001; gnomAD 0.00001.
gnomAD v4.1: 1 of 1,614,072 alleles (0.000062%); highest among the groups gnomAD compares: Non-Finnish European, 0.000085%; no homozygotes.

Submissions (4):

Ambry Genetics
Classification: Likely benign for Hereditary cancer-predisposing syndrome. Last evaluated: 2025-05-08. Review status: criteria provided, single submitter. Criteria: Ambry Variant Classification Scheme 2023. Collection method: clinical testing. Allele origin: germline.

All of Us Research Program, National Institutes of Health
Classification: Uncertain significance for Breast-ovarian cancer, familial, susceptibility to, 2. Last evaluated: 2023-12-18. Review status: criteria provided, single submitter. Criteria: ACMG Guidelines, 2015. Collection method: clinical testing. Allele origin: germline. Inheritance: Autosomal dominant inheritance. Observed: 1 variant allele, 1 heterozygote.
Comment: This missense variant replaces glutamine with proline at codon 2714 of the BRCA2 protein. Computational prediction is inconclusive regarding the impact of this variant on protein structure and function (internally defined REVEL score threshold 0.5 < inconclusive < 0.7, PMID: 27666373). To our knowledge, functional studies have not been reported for this variant. This variant has not been reported in individuals affected with BRCA2-related disorders in the literature. This variant has not been identified in the general population by the Genome Aggregation Database (gnomAD). The available evidence is insufficient to determine the role of this variant in disease conclusively. Therefore, this variant is classified as a Variant of Uncertain Significance.

This study involves interpretation of variants in research participants for the purpose of population health screening. Participant phenotype was not available at the time of variant classification. Additional details can be found in publication PMID: 35346344, PMCID: PMC8962531

CHEO Genetics Diagnostic Laboratory, Children's Hospital of Eastern Ontario
Classification: Uncertain significance for Breast and/or ovarian cancer. Last evaluated: 2023-06-01. Review status: criteria provided, single submitter. Criteria: ACMG Guidelines, 2015. Collection method: clinical testing. Allele origin: germline.

Labcorp Genetics (formerly Invitae), Labcorp
Classification: Uncertain significance for Hereditary breast ovarian cancer syndrome. Last evaluated: 2022-04-21. Review status: criteria provided, single submitter. Criteria: Invitae Variant Classification Sherloc (09022015). Collection method: clinical testing. Allele origin: germline.
Comment: This sequence change replaces glutamine, which is neutral and polar, with proline, which is neutral and non-polar, at codon 2714 of the BRCA2 protein (p.Gln2714Pro). This variant is not present in population databases (gnomAD no frequency). This variant has not been reported in the literature in individuals affected with BRCA2-related conditions. ClinVar contains an entry for this variant (Variation ID: 864555). Advanced modeling of protein sequence and biophysical properties (such as structural, functional, and spatial information, amino acid conservation, physicochemical variation, residue mobility, and thermodynamic stability) performed at Invitae indicates that this missense variant is not expected to disrupt BRCA2 protein function. In summary, the available evidence is currently insufficient to determine the role of this variant in disease. Therefore, it has been classified as a Variant of Uncertain Significance.

NM_000059.4(BRCA2):c.8141A>C (p.Gln2714Pro)

Gene: BRCA2 (BRCA2 DNA repair associated; plus strand). Cytogenetic location: 13q13.1.
Variant type: single nucleotide variant.
Coding change: c.8141A>C on transcript NM_000059.4 (MANE Select); coding-DNA position 8141, A replaced by C.
Protein change: p.Gln2714Pro; replaces glutamine 2714 with proline.
Molecular consequence: missense variant.
Genome position (GRCh38, 1-based): chr13:32,363,343, A>C. VCF-style: chr13-32363343-A-C. GRCh37 (hg19) VCF-style: chr13-32937480-A-C.
Other names: short protein forms Q2714P.
Identifiers: ClinVar variation 864555 (VCV000864555.15), dbSNP rs80359059, ClinGen allele CA387749477.